The following is an entry in ClinVar:

ClinVar aggregate classification (germline): Benign. Review status: criteria provided, multiple submitters, no conflicts (2 of 4 stars). 2 submissions from 2 submitters: Benign (2). Last evaluated 2023-04-26.

Allele frequency attached by ClinVar (database versions not stated): ESP Exome Variant Server 0.00023; 1000 Genomes Project 30x 0.00062; 1000 Genomes Project 0.00080.
gnomAD v4.1: 270 of 1,613,800 alleles (0.017%); highest among the groups gnomAD compares: South Asian, 0.21%; 2 homozygotes.

Submissions (2):

Labcorp Genetics (formerly Invitae), Labcorp
Classification: Benign. Last evaluated: 2023-04-26. Review status: criteria provided, single submitter. Criteria: Invitae Variant Classification Sherloc (09022015). Collection method: clinical testing. Allele origin: germline.

CeGaT Center for Human Genetics Tuebingen
Classification: Benign. Last evaluated: 2022-05-01. Review status: criteria provided, single submitter. Criteria: CeGaT Center For Human Genetics Tuebingen Variant Classification Criteria Version 2. Collection method: clinical testing. Allele origin: germline. Affected: yes. Observed: 1 variant allele.
Comment: HDAC4: BS1, BS2

NM_001378414.1(HDAC4):c.2427G>A (p.Ala809=)

Gene: HDAC4 (histone deacetylase 4; minus strand). Cytogenetic location: 2q37.3.
Variant type: single nucleotide variant.
Coding change: c.2427G>A on transcript NM_001378414.1 (MANE Select); coding-DNA position 2427, G replaced by A.
Protein change: p.Ala809=; no amino-acid change (alanine 809 retained).
Molecular consequence: synonymous variant.
Genome position (GRCh38, 1-based): chr2:239,087,576, C>T on the plus strand (G>A on the coding strand, the complement: HDAC4 is on the minus strand). VCF-style: chr2-239087576-C-T. GRCh37 (hg19) VCF-style: chr2-240009272-C-T.
Other names: c.2427G>A, p.Ala809= (NM_001378415.1); c.2412G>A, p.Ala804= (NM_001378416.1, NM_001378417.1, NM_006037.4).
Identifiers: ClinVar variation 2413605 (VCV002413605.31), dbSNP rs143226598, ClinGen allele CA2199405.